The following is an entry in ClinVar:

ClinVar aggregate classification (germline): Benign. Review status: criteria provided, multiple submitters, no conflicts (2 of 4 stars). 9 submissions from 9 submitters: Benign (9). Last evaluated 2026-02-02.

Conditions:
Familial thoracic aortic aneurysm and aortic dissection (TAAD). Also called: Thoracic aortic aneurysms and dissections. Identifiers: Orphanet 91387, MedGen C4707243, MONDO:0019625.
Aortic aneurysm, familial thoracic 7 (AAT7). Also called: AORTIC DISSECTION, FAMILIAL, WITH OR WITHOUT AORTIC ANEURYSM. Identifiers: MedGen C3151077, MONDO:0013418, OMIM 613780.

Allele frequency attached by ClinVar (database versions not stated): gnomAD exomes 0.00038 and 0.00115; gnomAD 0.00415 and 0.00441; TOPMed 0.00502; ESP Exome Variant Server 0.00531; 1000 Genomes Project 0.00459; ExAC 0.00138; 1000 Genomes Project 30x 0.00468.

Submissions (9):

Labcorp Genetics (formerly Invitae), Labcorp
Classification: Benign for Aortic aneurysm, familial thoracic 7. Last evaluated: 2026-02-02. Review status: criteria provided, single submitter. Criteria: Invitae Variant Classification Sherloc (09022015). Collection method: clinical testing. Allele origin: germline.

ARUP Laboratories, Molecular Genetics and Genomics, ARUP Laboratories
Classification: Benign. Last evaluated: 2024-01-11. Review status: criteria provided, single submitter. Criteria: ARUP Molecular Germline Variant Investigation Process 2024. Collection method: clinical testing. Allele origin: germline.

Mayo Clinic Laboratories, Mayo Clinic
Classification: Benign. Last evaluated: 2023-04-26. Review status: criteria provided, single submitter. Criteria: ACMG Guidelines, 2015. Collection method: clinical testing. Allele origin: germline. Observed: 6 variant alleles.
Comment: BS1, BS2, BP4, BP7

Women's Health and Genetics/Laboratory Corporation of America, LabCorp
Classification: Benign. Last evaluated: 2019-10-15. Review status: criteria provided, single submitter. Criteria: LabCorp Variant Classification Summary - May 2015. Collection method: clinical testing. Allele origin: germline.

CHEO Genetics Diagnostic Laboratory, Children's Hospital of Eastern Ontario
Classification: Benign for Familial thoracic aortic aneurysm and aortic dissection. Last evaluated: 2017-09-07. Review status: criteria provided, single submitter. Criteria: ACMG Guidelines, 2015. Collection method: clinical testing. Allele origin: germline. Study: Canadian Open Genetics Repository.

GeneDx
Classification: Benign. Last evaluated: 2016-12-01. Review status: criteria provided, single submitter. Criteria: GeneDx Variant Classification (06012015). Collection method: clinical testing. Allele origin: germline. Affected: yes.
Comment: This variant is considered likely benign or benign based on one or more of the following criteria: it is a conservative change, it occurs at a poorly conserved position in the protein, it is predicted to be benign by multiple in silico algorithms, and/or has population frequency not consistent with disease.

Ambry Genetics
Classification: Benign for Familial thoracic aortic aneurysm and aortic dissection. Last evaluated: 2015-02-11. Review status: criteria provided, single submitter. Criteria: Ambry Variant Classification Scheme 2023. Collection method: clinical testing. Allele origin: germline.

Breakthrough Genomics
Classification: Benign. Review status: criteria provided, single submitter. Criteria: ACMG Guidelines, 2015. Collection method: not provided. Allele origin: germline. Inheritance: Autosomal recessive inheritance. Affected: yes.

PreventionGenetics, part of Exact Sciences
Classification: Benign. Review status: criteria provided, single submitter. Criteria: ACMG Guidelines, 2015. Collection method: clinical testing. Allele origin: germline.

NM_053025.4(MYLK):c.652C>T (p.Leu218=)

Gene: MYLK (myosin light chain kinase; minus strand). Cytogenetic location: 3q21.1.
Variant type: single nucleotide variant.
Coding change: c.652C>T on transcript NM_053025.4 (MANE Select); coding-DNA position 652, C replaced by T.
Protein change: p.Leu218=; no amino-acid change (leucine 218 retained).
Molecular consequence: synonymous variant.
Genome position (GRCh38, 1-based): chr3:123,737,480, G>A on the plus strand (C>T on the coding strand, the complement: MYLK is on the minus strand). VCF-style: chr3-123737480-G-A. GRCh37 (hg19) VCF-style: chr3-123456327-G-A.
Other names: p.Leu218=; c.124C>T, p.Leu42= (NM_001321309.2); c.652C>T, p.Leu218= (NM_053026.4, NM_053027.4, NM_053028.4).
Identifiers: ClinVar variation 262295 (VCV000262295.31), dbSNP rs113035707, ClinGen allele CA073419.